The following is an entry in ClinVar:

ClinVar aggregate classification (germline): Pathogenic. Review status: criteria provided, multiple submitters, no conflicts (2 of 4 stars). 3 submissions from 3 submitters: Pathogenic (2). 1 of the submissions does not count toward it. Last evaluated 2025-04-11.

Conditions:
Generalized epilepsy with febrile seizures plus, type 7 (GEFSP7). Also called: GEFS+, TYPE 7. Identifiers: Orphanet 36387, MedGen C2751778, MONDO:0013470, OMIM 613863.
Neuropathy, hereditary sensory and autonomic, type 2A (HSAN2A). Also called: HSAN IIA; MORVAN DISEASE; NEUROPATHY, CONGENITAL SENSORY; NEUROPATHY, HEREDITARY SENSORY RADICULAR, AUTOSOMAL RECESSIVE; NEUROPATHY, HEREDITARY SENSORY, TYPE IIA; NEUROPATHY, PROGRESSIVE SENSORY, OF CHILDREN. Identifiers: Orphanet 970, MedGen C2752089, MONDO:0024309, OMIM 201300.
Paroxysmal extreme pain disorder (PEXPD). Also called: PAIN, SUBMANDIBULAR, OCULAR, AND RECTAL, WITH FLUSHING; RECTAL PAIN, FAMILIAL; SCN9A Paroxysmal Extreme Pain Disorder (SCN9A-PEPD). Identifiers: Orphanet 46348, MedGen C1833661, MONDO:0008179, OMIM 167400.

Submissions (3):

Labcorp Genetics (formerly Invitae), Labcorp
Classification: Pathogenic for Neuropathy, hereditary sensory and autonomic, type 2A; Generalized epilepsy with febrile seizures plus, type 7. Last evaluated: 2025-04-11. Review status: criteria provided, single submitter. Criteria: Invitae Variant Classification Sherloc (09022015). Collection method: clinical testing. Allele origin: germline.
Comment: This sequence change replaces valine, which is neutral and non-polar, with phenylalanine, which is neutral and non-polar, at codon 1299 of the SCN9A protein (p.Val1299Phe). This variant is not present in population databases (gnomAD no frequency). This missense change has been observed in individuals with paroxysmal extreme pain disorder (PMID: 17145499; internal data). It has also been observed to segregate with disease in related individuals. ClinVar contains an entry for this variant (Variation ID: 6359). Invitae Evidence Modeling of protein sequence and biophysical properties (such as structural, functional, and spatial information, amino acid conservation, physicochemical variation, residue mobility, and thermodynamic stability) has been performed for this missense variant. However, the output from this modeling did not meet the statistical confidence thresholds required to predict the impact of this variant on SCN9A protein function. Experimental studies have shown that this missense change affects SCN9A function (PMID: 18599537, 21115638). For these reasons, this variant has been classified as Pathogenic.

CeGaT Center for Human Genetics Tuebingen
Classification: Pathogenic. Last evaluated: 2019-11-01. Review status: criteria provided, single submitter. Criteria: CeGaT Center For Human Genetics Tuebingen Variant Classification Criteria Version 2. Collection method: clinical testing. Allele origin: germline. Affected: yes. Observed: 2 variant alleles.

OMIM
Classification: Pathogenic for PAROXYSMAL EXTREME PAIN DISORDER. Last evaluated: 2006-12-07. Review status: no assertion criteria provided. Collection method: literature only. Allele origin: germline. Not counted in ClinVar's aggregate classification.

Literature cited by the submitters: PubMed 17145499 (cited by Labcorp Genetics (formerly Invitae), Labcorp and OMIM); PubMed 18599537 (cited by Labcorp Genetics (formerly Invitae), Labcorp); PubMed 21115638 (cited by Labcorp Genetics (formerly Invitae), Labcorp).

NM_001365536.1(SCN9A):c.3928G>T (p.Val1310Phe)

Genes: SCN1A-AS1 (SCN1A and SCN9A antisense RNA 1; plus strand), SCN9A (sodium voltage-gated channel alpha subunit 9; minus strand). Cytogenetic location: 2q24.3.
Variant type: single nucleotide variant.
Coding change: c.3928G>T on transcript NM_001365536.1 (MANE Select); coding-DNA position 3928, G replaced by T.
Protein change: p.Val1310Phe; replaces valine 1310 with phenylalanine.
Molecular consequence: missense variant.
Genome position (GRCh38, 1-based): chr2:166,228,969, C>A on the plus strand (G>T on the coding strand, the complement: SCN9A is on the minus strand). VCF-style: chr2-166228969-C-A. GRCh37 (hg19) VCF-style: chr2-167085479-C-A.
Other names: c.3895G>T, p.Val1299Phe (NM_002977.4); short protein forms V1299F, V1310F.
Identifiers: ClinVar variation 6359 (VCV000006359.50), dbSNP rs121908913, ClinGen allele CA118149.